The following is an entry in ClinVar:

NM_000245.4(MET):c.3361G>A (p.Val1121Ile)

Gene: MET (MET proto-oncogene, receptor tyrosine kinase; plus strand). Cytogenetic location: 7q31.2.
Variant type: single nucleotide variant.
Coding change: c.3361G>A on transcript NM_000245.4 (MANE Select); coding-DNA position 3361, G replaced by A.
Protein change: p.Val1121Ile; replaces valine 1121 with isoleucine.
Molecular consequence: missense variant.
Genome position (GRCh38, 1-based): chr7:116,778,796, G>A. VCF-style: chr7-116778796-G-A. GRCh37 (hg19) VCF-style: chr7-116418850-G-A.
Other names: c.3415G>A, p.Val1139Ile (NM_001127500.3); c.2071G>A, p.Val691Ile (NM_001324402.2); short protein forms V1121I, V1139I, V691I.
Identifiers: ClinVar variation 4106719 (VCV004106719.1).
Genomic context (GRCh38, chr7:116,778,796, plus strand): 5'-TCCATAATGAAGTTAATGTCTCCACCACTGGATTTCTCAGGAATCACTGACATAGGAGAA[G>A]TTTCCCAATTTCTGACCGAGGGAATCATCATGAAAGATTTTAGTCATCCCAATGTCCTCT-3'
Protein context (NP_000236.2, residues 1111-1131): SLNRITDIGE[Val1121Ile]SQFLTEGIIM

ClinVar aggregate classification (germline): Uncertain significance (1 of 4 stars; one submission).

Conditions:
Hereditary cancer-predisposing syndrome. Also called: Tumor predisposition; Neoplastic Syndromes, Hereditary; Hereditary neoplastic syndrome; Hereditary Cancer Syndrome. Identifiers: Orphanet 140162, MedGen C0027672, MeSH D009386, MONDO:0015356.

Submission:

Ambry Genetics
Classification: Uncertain significance for Hereditary cancer-predisposing syndrome. Last evaluated: 2025-06-26. Review status: criteria provided, single submitter. Criteria: Ambry Variant Classification Scheme 2023. Collection method: clinical testing. Allele origin: germline.
Comment: The p.V1139I variant (also known as c.3415G>A), located in coding exon 16 of the MET gene, results from a G to A substitution at nucleotide position 3415. The valine at codon 1139 is replaced by isoleucine, an amino acid with highly similar properties. This amino acid position is highly conserved in available vertebrate species. In addition, the in silico prediction for this alteration is inconclusive. Based on the available evidence, the clinical significance of this variant remains unclear.